The following is an entry in ClinVar:

ClinVar aggregate classification (germline): Uncertain significance (1 of 4 stars; one submission).

Conditions:
Inborn genetic diseases. Identifiers: MedGen C0950123, MeSH D030342.

Submission:

Ambry Genetics
Classification: Uncertain significance for Inborn genetic diseases. Last evaluated: 2025-05-31. Review status: criteria provided, single submitter. Criteria: Ambry Variant Classification Scheme 2023. Collection method: clinical testing. Allele origin: germline.
Comment: The p.Y1115H variant (also known as c.3343T>C), located in coding exon 24 of the ANKRD26 gene, results from a T to C substitution at nucleotide position 3343. The tyrosine at codon 1115 is replaced by histidine, an amino acid with similar properties. This amino acid position is conserved. In addition, this alteration is predicted to be tolerated by in silico analysis. Based on the available evidence, the clinical significance of this variant remains unclear.

NM_014915.3(ANKRD26):c.3343T>C (p.Tyr1115His)

Gene: ANKRD26 (ankyrin repeat domain containing 26; minus strand). Cytogenetic location: 10p12.1.
Variant type: single nucleotide variant.
Coding change: c.3343T>C on transcript NM_014915.3 (MANE Select); coding-DNA position 3343, T replaced by C.
Protein change: p.Tyr1115His; replaces tyrosine 1115 with histidine.
Molecular consequence: missense variant.
Genome position (GRCh38, 1-based): chr10:27,035,107, A>G on the plus strand (T>C on the coding strand, the complement: ANKRD26 is on the minus strand). VCF-style: chr10-27035107-A-G. GRCh37 (hg19) VCF-style: chr10-27324036-A-G.
Other names: c.3340T>C, p.Tyr1114His (NM_001256053.2); short protein forms Y1114H, Y1115H.
Identifiers: ClinVar variation 3914909 (VCV003914909.1).